The following is an entry in ClinVar:

ClinVar aggregate classification (germline): Uncertain significance. Review status: criteria provided, multiple submitters, no conflicts (2 of 4 stars). 2 submissions from 2 submitters: Uncertain significance (2). Last evaluated 2025-10-30.

Conditions:
Inborn genetic diseases. Identifiers: MedGen C0950123, MeSH D030342.
Spinocerebellar ataxia, autosomal recessive, with axonal neuropathy 2 (SCAN2). Also called: Ataxia-ocular apraxia-2; ATAXIA-OCULOMOTOR APRAXIA 2; Ataxia with Oculomotor Apraxia; Ataxia with Oculomotor Apraxia Type 2. Identifiers: Orphanet 64753, MedGen C1853761, MONDO:0018996, OMIM 606002.
Amyotrophic lateral sclerosis type 4 (ALS4). Also called: AMYOTROPHIC LATERAL SCLEROSIS 4, JUVENILE; NEURONOPATHY, DISTAL HEREDITARY MOTOR, WITH PYRAMIDAL FEATURES. Identifiers: Orphanet 357043, MedGen C1865409, MONDO:0011223, OMIM 602433.

gnomAD v4.1: 7 of 1,613,922 alleles (0.00043%); highest among the groups gnomAD compares: Non-Finnish European, 0.00059%; no homozygotes.

Submissions (2):

Ambry Genetics
Classification: Uncertain significance for Inborn genetic diseases. Last evaluated: 2025-10-30. Review status: criteria provided, single submitter. Criteria: Ambry Variant Classification Scheme 2023. Collection method: clinical testing. Allele origin: germline.

Labcorp Genetics (formerly Invitae), Labcorp
Classification: Uncertain significance for Amyotrophic lateral sclerosis type 4; Spinocerebellar ataxia, autosomal recessive, with axonal neuropathy 2. Last evaluated: 2024-05-09. Review status: criteria provided, single submitter. Criteria: Invitae Variant Classification Sherloc (09022015). Collection method: clinical testing. Allele origin: germline.
Comment: This sequence change replaces arginine, which is basic and polar, with serine, which is neutral and polar, at codon 1214 of the SETX protein (p.Arg1214Ser). This variant is not present in population databases (gnomAD no frequency). This variant has not been reported in the literature in individuals affected with SETX-related conditions. Advanced modeling of protein sequence and biophysical properties (such as structural, functional, and spatial information, amino acid conservation, physicochemical variation, residue mobility, and thermodynamic stability) performed at Invitae indicates that this missense variant is not expected to disrupt SETX protein function with a negative predictive value of 95%. In summary, the available evidence is currently insufficient to determine the role of this variant in disease. Therefore, it has been classified as a Variant of Uncertain Significance.

NM_015046.7(SETX):c.3642A>C (p.Arg1214Ser)

Gene: SETX (senataxin; minus strand). Cytogenetic location: 9q34.13.
Variant type: single nucleotide variant.
Coding change: c.3642A>C on transcript NM_015046.7 (MANE Select); coding-DNA position 3642, A replaced by C.
Protein change: p.Arg1214Ser; replaces arginine 1214 with serine.
Molecular consequence: missense variant.
Genome position (GRCh38, 1-based): chr9:132,327,956, T>G on the plus strand (A>C on the coding strand, the complement: SETX is on the minus strand). VCF-style: chr9-132327956-T-G. GRCh37 (hg19) VCF-style: chr9-135203343-T-G.
Other names: c.3642A>C, p.Arg1214Ser (NM_001351527.2, NM_001351528.2); short protein forms R1214S.
Identifiers: ClinVar variation 3760902 (VCV003760902.3).
Genomic context (GRCh38, chr9:132,327,956, plus strand): 5'-CCTGATGGGTTCTGTACAAGTACAAAGCTTTGAAGACTTCTTTTGTGAAACCGTAGTGGC[T>G]CTCTGAATACGTGAATTGGGAGTTGAAGTCCTTCTATCAATACTTTTAAAATCATTTCCC-3'
Protein context (NP_055861.3, residues 1204-1224): RTSTPNSRIQ[Arg1214Ser]ATTVSQKKSS